The following is an entry in ClinVar:

ClinVar aggregate classification (germline): Uncertain significance (1 of 4 stars; one submission).

gnomAD v4.1: 61 of 1,614,094 alleles (0.0038%); highest among the groups gnomAD compares: Admixed American, 0.023%; no homozygotes.

Submission:

Labcorp Genetics (formerly Invitae), Labcorp
Classification: Uncertain significance. Last evaluated: 2022-08-01. Review status: criteria provided, single submitter. Criteria: Invitae Variant Classification Sherloc (09022015). Collection method: clinical testing. Allele origin: germline.
Comment: This sequence change replaces lysine, which is basic and polar, with asparagine, which is neutral and polar, at codon 299 of the MGME1 protein (p.Lys299Asn). This variant is present in population databases (rs138923108, gnomAD 0.01%). This variant has not been reported in the literature in individuals affected with MGME1-related conditions. Algorithms developed to predict the effect of missense changes on protein structure and function are either unavailable or do not agree on the potential impact of this missense change (SIFT: "Deleterious"; PolyPhen-2: "Probably Damaging"; Align-GVGD: "Class C0"). In summary, the available evidence is currently insufficient to determine the role of this variant in disease. Therefore, it has been classified as a Variant of Uncertain Significance.

NM_052865.4(MGME1):c.897A>C (p.Lys299Asn)

Gene: MGME1 (mitochondrial genome maintenance exonuclease 1; plus strand). Cytogenetic location: 20p11.23.
Variant type: single nucleotide variant.
Coding change: c.897A>C on transcript NM_052865.4 (MANE Select); coding-DNA position 897, A replaced by C.
Protein change: p.Lys299Asn; replaces lysine 299 with asparagine.
Molecular consequence: missense variant. On other transcripts: synonymous variant (1).
Genome position (GRCh38, 1-based): chr20:17,989,971, A>C. VCF-style: chr20-17989971-A-C. GRCh37 (hg19) VCF-style: chr20-17970614-A-C.
Other names: c.942A>C, p.Lys314Asn (NM_001310338.2); c.544A>C, p.Arg182= (NM_001310339.2); c.657A>C, p.Lys219Asn (NM_001363738.2); short protein forms K299N, K314N, K219N.
Identifiers: ClinVar variation 1905655 (VCV001905655.2), dbSNP rs138923108, ClinGen allele CA9775067.
Genomic context (GRCh38, chr20:17,989,971, plus strand): 5'-ACGAGAATTGCCCTGTGTTTCTTCCTAGGTTCAATGTGGCTTAATTGTGGTGGCCTACAA[A>C]GATGGATCACCTGCCCACCCACATTTCATGGATGCAGAGCTCTGTTCCCAGTACTGGACC-3'
Protein context (NP_443097.1, residues 289-309): VQCGLIVVAY[Lys299Asn]DGSPAHPHFM